The following is an entry in ClinVar:

ClinVar aggregate classification (germline): Uncertain significance. Review status: criteria provided, multiple submitters, no conflicts (2 of 4 stars). 2 submissions from 2 submitters: Uncertain significance (2). Last evaluated 2025-04-04.

Conditions:
Inborn genetic diseases. Identifiers: MedGen C0950123, MeSH D030342.

gnomAD v4.1: 122 of 1,613,734 alleles (0.0076%); highest among the groups gnomAD compares: Non-Finnish European, 0.0087%; no homozygotes.

Submissions (2):

Ambry Genetics
Classification: Uncertain significance for Inborn genetic diseases. Last evaluated: 2025-04-04. Review status: criteria provided, single submitter. Criteria: Ambry Variant Classification Scheme 2023. Collection method: clinical testing. Allele origin: germline.

GeneDx
Classification: Uncertain significance. Last evaluated: 2024-07-30. Review status: criteria provided, single submitter. Criteria: GeneDx Variant Classification Process June 2021. Collection method: clinical testing. Allele origin: germline. Affected: yes.
Comment: In silico analysis supports that this missense variant has a deleterious effect on protein structure/function; Has not been previously published as pathogenic or benign to our knowledge

NM_001369268.1(ACAN):c.5968G>A (p.Gly1990Arg)

Gene: ACAN (aggrecan; plus strand). Cytogenetic location: 15q26.1.
Variant type: single nucleotide variant.
Coding change: c.5968G>A on transcript NM_001369268.1 (MANE Select); coding-DNA position 5968, G replaced by A.
Protein change: p.Gly1990Arg; replaces glycine 1990 with arginine.
Molecular consequence: missense variant.
Genome position (GRCh38, 1-based): chr15:88,858,553, G>A. VCF-style: chr15-88858553-G-A. GRCh37 (hg19) VCF-style: chr15-89401784-G-A.
Other names: c.5968G>A, p.Gly1990Arg (NM_001135.4, NM_001411096.1, NM_001411097.1 and 1 more transcripts); short protein forms G1990R.
Identifiers: ClinVar variation 3602461 (VCV003602461.2).